The following is an entry in ClinVar:

ClinVar aggregate classification (germline): Conflicting classifications of pathogenicity. Review status: criteria provided, conflicting classifications (1 of 4 stars). 2 submissions from 2 submitters: Uncertain significance (1); Likely benign (1). Last evaluated 2025-12-11.

Conditions:
Inborn genetic diseases. Identifiers: MedGen C0950123, MeSH D030342.
Joubert syndrome 23 (JBTS23). Identifiers: Orphanet 475, MedGen C4084822, MONDO:0014664, OMIM 616490.
Short-rib thoracic dysplasia 14 with polydactyly (SRTD14). Identifiers: Orphanet 397715, MedGen C4225286, MONDO:0014688, OMIM 616546.

Allele frequency attached by ClinVar (database versions not stated): ExAC 0.00001; TOPMed 0.00005; gnomAD 0.00003.
gnomAD v4.1: 82 of 1,606,580 alleles (0.0051%); highest among the groups gnomAD compares: Non-Finnish European, 0.0061%; no homozygotes.

Submissions (2):

Ambry Genetics
Classification: Likely benign for Inborn genetic diseases. Last evaluated: 2025-12-11. Review status: criteria provided, single submitter. Criteria: Ambry Variant Classification Scheme 2023. Collection method: clinical testing. Allele origin: germline.

Labcorp Genetics (formerly Invitae), Labcorp
Classification: Uncertain significance for Joubert syndrome 23; Short-rib thoracic dysplasia 14 with polydactyly. Last evaluated: 2022-09-27. Review status: criteria provided, single submitter. Criteria: Invitae Variant Classification Sherloc (09022015). Collection method: clinical testing. Allele origin: germline.
Comment: In summary, the available evidence is currently insufficient to determine the role of this variant in disease. Therefore, it has been classified as a Variant of Uncertain Significance. Advanced modeling of protein sequence and biophysical properties (such as structural, functional, and spatial information, amino acid conservation, physicochemical variation, residue mobility, and thermodynamic stability) performed at Invitae indicates that this missense variant is not expected to disrupt KIAA0586 protein function. ClinVar contains an entry for this variant (Variation ID: 1402941). This variant has not been reported in the literature in individuals affected with KIAA0586-related conditions. This variant is present in population databases (rs747277541, gnomAD 0.002%). This sequence change replaces threonine, which is neutral and polar, with methionine, which is neutral and non-polar, at codon 382 of the KIAA0586 protein (p.Thr382Met).

NM_001329943.3(KIAA0586):c.986C>T (p.Thr329Met)

Gene: KIAA0586 (KIAA0586; plus strand). Cytogenetic location: 14q23.1.
Variant type: single nucleotide variant.
Coding change: c.986C>T on transcript NM_001329943.3 (MANE Select); coding-DNA position 986, C replaced by T.
Protein change: p.Thr329Met; replaces threonine 329 with methionine.
Molecular consequence: missense variant.
Genome position (GRCh38, 1-based): chr14:58,450,603, C>T. VCF-style: chr14-58450603-C-T. GRCh37 (hg19) VCF-style: chr14-58917321-C-T.
Other names: c.986C>T (NM_014749.3); c.1145C>T, p.Thr382Met (NM_001244189.2); c.941C>T, p.Thr314Met (NM_001244190.2); c.731C>T, p.Thr244Met (NM_001244191.2, NM_001329945.2, NM_001364700.1 and 1 more transcripts); c.854C>T, p.Thr285Met (NM_001244192.2); c.566C>T, p.Thr189Met (NM_001244193.2); c.986C>T, p.Thr329Met (NM_001329944.2, NM_001329946.2, NM_001329947.2 and 1 more transcripts); short protein forms T285M, T314M, T329M, T189M, T244M, T382M.
Identifiers: ClinVar variation 1402941 (VCV001402941.5), dbSNP rs747277541, ClinGen allele CA7205535.